The following is an entry in ClinVar:

NM_001267550.2(TTN):c.19064A>G (p.Asp6355Gly)

Gene: TTN (titin; minus strand). Cytogenetic location: 2q31.2.
Variant type: single nucleotide variant.
Coding change: c.19064A>G on transcript NM_001267550.2 (MANE Select); coding-DNA position 19064, A replaced by G.
Protein change: p.Asp6355Gly; replaces aspartic acid 6355 with glycine.
Molecular consequence: missense variant. On other transcripts: intron variant (3).
Genome position (GRCh38, 1-based): chr2:178,728,974, T>C on the plus strand (A>G on the coding strand, the complement: TTN is on the minus strand). VCF-style: chr2-178728974-T-C. GRCh37 (hg19) VCF-style: chr2-179593701-T-C.
Other names: c.18113A>G, p.Asp6038Gly (NM_001256850.1); c.15332A>G, p.Asp5111Gly (NM_133378.4); c.13282+9108A>G (NM_003319.4); c.13858+9108A>G (NM_133437.4); c.13657+9108A>G (NM_133432.3); short protein forms D5111G, D6038G, D6355G.
Identifiers: ClinVar variation 3371031 (VCV003371031.1).

ClinVar aggregate classification (germline): Uncertain significance (1 of 4 stars; one submission).

Submission:

GeneDx
Classification: Uncertain significance. Last evaluated: 2024-03-15. Review status: criteria provided, single submitter. Criteria: GeneDx Variant Classification Process June 2021. Collection method: clinical testing. Allele origin: germline. Affected: yes.
Comment: Not observed at significant frequency in large population cohorts (gnomAD); Missense variant in a gene in which most reported pathogenic variants are truncating/loss of function; Has not been previously published as pathogenic or benign to our knowledge